The following is an entry in ClinVar:

NM_017882.3(CLN6):c.213C>G (p.Leu71=)

Gene: CLN6 (CLN6 transmembrane ER protein; minus strand). Cytogenetic location: 15q23.
Variant type: single nucleotide variant.
Coding change: c.213C>G on transcript NM_017882.3 (MANE Select); coding-DNA position 213, C replaced by G.
Protein change: p.Leu71=; no amino-acid change (leucine 71 retained).
Molecular consequence: synonymous variant.
Genome position (GRCh38, 1-based): chr15:68,214,374, G>C on the plus strand (C>G on the coding strand, the complement: CLN6 is on the minus strand). VCF-style: chr15-68214374-G-C. GRCh37 (hg19) VCF-style: chr15-68506712-G-C.
Identifiers: ClinVar variation 316997 (VCV000316997.17), dbSNP rs146980624, ClinGen allele CA7630663.

ClinVar aggregate classification (germline): Conflicting classifications of pathogenicity. Review status: criteria provided, conflicting classifications (1 of 4 stars). 4 submissions from 4 submitters: Uncertain significance (1); Benign (1); Likely benign (2). Last evaluated 2026-01-09.

Conditions:
Neuronal ceroid lipofuscinosis. Also called: Neuronal Ceroid Lipofuscinoses. Identifiers: Orphanet 216, Orphanet 79263, MedGen C0027877, MONDO:0016295. Disease mechanism: loss of function.

Allele frequency attached by ClinVar (database versions not stated): TOPMed 0.00010; 1000 Genomes Project 30x 0.00016; 1000 Genomes Project 0.00020.
gnomAD v4.1: 81 of 1,612,920 alleles (0.005%); highest among the groups gnomAD compares: Admixed American, 0.04%; no homozygotes.

Submissions (4):

Labcorp Genetics (formerly Invitae), Labcorp
Classification: Likely benign for Neuronal ceroid lipofuscinosis. Last evaluated: 2026-01-09. Review status: criteria provided, single submitter. Criteria: Invitae Variant Classification Sherloc (09022015). Collection method: clinical testing. Allele origin: germline.

Blueprint Genetics
Classification: Likely benign. Last evaluated: 2024-09-21. Review status: criteria provided, single submitter. Criteria: ACMG Guidelines, 2015. Collection method: clinical testing. Allele origin: germline.

Illumina Laboratory Services, Illumina
Classification: Uncertain significance for Neuronal ceroid lipofuscinosis. Last evaluated: 2018-01-13. Review status: criteria provided, single submitter. Criteria: ICSL Variant Classification Criteria 13 December 2019. Collection method: clinical testing. Allele origin: germline.

GeneDx
Classification: Benign. Last evaluated: 2015-04-01. Review status: criteria provided, single submitter. Criteria: GeneDx Variant Classification (06012015). Collection method: clinical testing. Allele origin: germline. Affected: yes.
Comment: This variant is considered likely benign or benign based on one or more of the following criteria: it is a conservative change, it occurs at a poorly conserved position in the protein, it is predicted to be benign by multiple in silico algorithms, and/or has population frequency not consistent with disease.